The following is an entry in ClinVar:

NM_025114.4(CEP290):c.6599A>G (p.Glu2200Gly)

Gene: CEP290 (centrosomal protein 290; minus strand). Cytogenetic location: 12q21.32.
Variant type: single nucleotide variant.
Coding change: c.6599A>G on transcript NM_025114.4 (MANE Select); coding-DNA position 6599, A replaced by G.
Protein change: p.Glu2200Gly; replaces glutamic acid 2200 with glycine.
Molecular consequence: missense variant.
Genome position (GRCh38, 1-based): chr12:88,059,944, T>C on the plus strand (A>G on the coding strand, the complement: CEP290 is on the minus strand). VCF-style: chr12-88059944-T-C. GRCh37 (hg19) VCF-style: chr12-88453721-T-C.
Other names: short protein forms E2200G.
Identifiers: ClinVar variation 962986 (VCV000962986.6), dbSNP rs779145328, ClinGen allele CA6711467.
Genomic context (GRCh38, chr12:88,059,944, plus strand): 5'-CATAAAAGTCATACTTTTTTAAGTTCTTTACGAAGCCTTTCATTTTCAGCAATAATTTTT[T>C]CTGTGCCTTTGGTCTTGGATTCATAGTGCATGCTCAACTGATGCCCAAGATGAGCTTTAA-3'
Protein context (NP_079390.3, residues 2190-2210): MHYESKTKGT[Glu2200Gly]KIIAENERLR

ClinVar aggregate classification (germline): Uncertain significance. Review status: criteria provided, multiple submitters, no conflicts (2 of 4 stars). 4 submissions from 4 submitters: Uncertain significance (3). 1 of the submissions does not count toward it. Last evaluated 2024-10-11.

Conditions:
Meckel-Gruber syndrome. Also called: DYSENCEPHALIA SPLANCHNOCYSTICA; GRUBER SYNDROME; Dysencephalia splachnocystica. Identifiers: Orphanet 564, MedGen C0265215, MONDO:0018921.
Joubert syndrome. Also called: Familial aplasia of the vermis; JOUBERT-BOLTSHAUSER SYNDROME. Identifiers: Orphanet 475, MedGen C5979921, MONDO:0018772.
Nephronophthisis. Also called: Juvenile Nephronophthisis. Identifiers: Orphanet 655, MedGen C0687120, MONDO:0019005, HP:0000090.
Leber congenital amaurosis (LCA). Also called: Leber's amaurosis. Identifiers: Orphanet 65, MedGen C0339527, MeSH D057130, MONDO:0018998.
Meckel syndrome, type 4 (MKS4). Also called: MECKEL-GRUBER SYNDROME, TYPE 4. Identifiers: Orphanet 564, MedGen C1970161, MONDO:0012626, OMIM 611134.
Senior-Loken syndrome 6 (SLSN6). Identifiers: Orphanet 3156, MedGen C1857779, MONDO:0012433, OMIM 610189.
Bardet-Biedl syndrome 14 (BBS14). Identifiers: Orphanet 110, MedGen C2673874, MONDO:0014442, OMIM 615991.
Joubert syndrome 5 (JBTS5). Identifiers: Orphanet 2318, MedGen C1857780, MONDO:0012432, OMIM 610188.
Leber congenital amaurosis 10 (LCA10). Identifiers: Orphanet 65, MedGen C1857821, MONDO:0012723, OMIM 611755.

Allele frequency attached by ClinVar (database versions not stated): gnomAD 0.00001; gnomAD exomes 0.00001; ExAC 0.00002; TOPMed 0.00002.
gnomAD v4.1: 22 of 1,593,688 alleles (0.0014%); highest among the groups gnomAD compares: Non-Finnish European, 0.0019%; no homozygotes.

Submissions (4):

Blueprint Genetics
Classification: Uncertain significance. Last evaluated: 2024-10-11. Review status: criteria provided, single submitter. Criteria: ACMG Guidelines, 2015. Collection method: clinical testing. Allele origin: germline.

Fulgent Genetics
Classification: Uncertain significance for Joubert syndrome 5; Senior-Loken syndrome 6; Meckel syndrome, type 4; Leber congenital amaurosis 10; Bardet-Biedl syndrome 14. Last evaluated: 2024-03-10. Review status: criteria provided, single submitter. Criteria: ACMG Guidelines, 2015. Collection method: clinical testing. Allele origin: germline.

Labcorp Genetics (formerly Invitae), Labcorp
Classification: Uncertain significance for Joubert syndrome; Meckel-Gruber syndrome; Nephronophthisis. Last evaluated: 2022-09-13. Review status: criteria provided, single submitter. Criteria: Invitae Variant Classification Sherloc (09022015). Collection method: clinical testing. Allele origin: germline.
Comment: This sequence change replaces glutamic acid, which is acidic and polar, with glycine, which is neutral and non-polar, at codon 2200 of the CEP290 protein (p.Glu2200Gly). The frequency data for this variant in the population databases is considered unreliable, as metrics indicate poor data quality at this position in the gnomAD database. This variant has not been reported in the literature in individuals affected with CEP290-related conditions. ClinVar contains an entry for this variant (Variation ID: 962986). Advanced modeling of protein sequence and biophysical properties (such as structural, functional, and spatial information, amino acid conservation, physicochemical variation, residue mobility, and thermodynamic stability) performed at Invitae indicates that this missense variant is not expected to disrupt CEP290 protein function. In summary, the available evidence is currently insufficient to determine the role of this variant in disease. Therefore, it has been classified as a Variant of Uncertain Significance.

Natera, Inc.
Classification: Uncertain significance for Leber congenital amaurosis. Last evaluated: 2021-04-19. Review status: no assertion criteria provided. Collection method: clinical testing. Allele origin: germline. Not counted in ClinVar's aggregate classification.